The following is an entry in ClinVar:

ClinVar aggregate classification (germline): Uncertain significance. Review status: criteria provided, single submitter (1 of 4 stars). 2 submissions from 2 submitters: Uncertain significance (1). 1 of the submissions does not count toward it. Last evaluated 2018-09-25.

Conditions:
Congenital adrenal hyperplasia due to cytochrome P450 oxidoreductase deficiency. Also called: DISORDERED STEROIDOGENESIS DUE TO POR DEFICIENCY. Identifiers: Orphanet 95699, MedGen C1860042, MONDO:0013310, OMIM 613571.
POR-related disorder. Also called: POR-related condition.

Submissions (2):

Labcorp Genetics (formerly Invitae), Labcorp
Classification: Uncertain significance for Disordered steroidogenesis due to cytochrome p450 oxidoreductase deficiency. Last evaluated: 2018-09-25. Review status: criteria provided, single submitter. Criteria: Invitae Variant Classification Sherloc (09022015). Collection method: clinical testing. Allele origin: germline.
Comment: This sequence change replaces alanine with proline at codon 462 of the POR protein (p.Ala462Pro). The alanine residue is highly conserved and there is a small physicochemical difference between alanine and proline. This variant is not present in population databases (ExAC no frequency). This variant has not been reported in the literature in individuals with POR-related disease. Algorithms developed to predict the effect of missense changes on protein structure and function are either unavailable or do not agree on the potential impact of this missense change (SIFT: "Deleterious"; PolyPhen-2: "Probably Damaging"; Align-GVGD: "Class C0"). In summary, the available evidence is currently insufficient to determine the role of this variant in disease. Therefore, it has been classified as a Variant of Uncertain Significance.

PreventionGenetics, part of Exact Sciences
Classification: Uncertain significance for POR-related condition. Last evaluated: 2024-08-13. Review status: no assertion criteria provided. Collection method: clinical testing. Allele origin: germline. Not counted in ClinVar's aggregate classification.
Comment: The POR c.1384G>C variant is predicted to result in the amino acid substitution p.Ala462Pro. To our knowledge, this variant has not been reported in the literature or in a large population database, indicating this variant is rare. Although we suspect that this variant may be pathogenic, at this time, the clinical significance of this variant is uncertain due to the absence of conclusive functional and genetic evidence.

NM_001395413.1(POR):c.1375G>C (p.Ala459Pro)

Gene: POR (cytochrome p450 oxidoreductase; plus strand). Cytogenetic location: 7q11.23.
Variant type: single nucleotide variant.
Coding change: c.1375G>C on transcript NM_001395413.1 (MANE Select); coding-DNA position 1375, G replaced by C.
Protein change: p.Ala459Pro; replaces alanine 459 with proline.
Molecular consequence: missense variant. On other transcripts: intron variant (1).
Genome position (GRCh38, 1-based): chr7:75,985,193, G>C. VCF-style: chr7-75985193-G-C. GRCh37 (hg19) VCF-style: chr7-75614511-G-C.
Other names: c.1375G>C, p.Ala459Pro (NM_001367562.3, NM_001382657.2, NM_001382658.3 and 1 more transcripts); c.1429G>C, p.Ala477Pro (NM_001382655.3); c.1239+235G>C (NM_001382662.3); short protein forms A459P, A477P.
Identifiers: ClinVar variation 576473 (VCV000576473.4), dbSNP rs72557936, ClinGen allele CA367749841.